The following is an entry in ClinVar:

ClinVar aggregate classification (germline): Uncertain significance (1 of 4 stars; one submission).

Submission:

GeneDx
Classification: Uncertain significance. Last evaluated: 2026-10-15. Review status: criteria provided, single submitter. Criteria: GeneDx Variant Classification Process June 2021. Collection method: clinical testing. Allele origin: germline.
Comment: Not observed at significant frequency in large population cohorts (gnomAD); In silico analysis supports that this missense variant has a deleterious effect on protein structure/function; Has not been previously published as pathogenic or benign to our knowledge

NM_182931.3(KMT2E):c.450T>G (p.Asp150Glu)

Gene: KMT2E (lysine methyltransferase 2E (inactive); plus strand). Cytogenetic location: 7q22.3.
Variant type: single nucleotide variant.
Coding change: c.450T>G on transcript NM_182931.3 (MANE Select); coding-DNA position 450, T replaced by G.
Protein change: p.Asp150Glu; replaces aspartic acid 150 with glutamic acid.
Molecular consequence: missense variant.
Genome position (GRCh38, 1-based): chr7:105,066,760, T>G. VCF-style: chr7-105066760-T-G. GRCh37 (hg19) VCF-style: chr7-104707207-T-G.
Other names: c.450T>G, p.Asp150Glu (NM_001410908.1, NM_018682.4); short protein forms D150E.
Identifiers: ClinVar variation 1878695 (VCV001878695.2), dbSNP rs779469744, ClinGen allele CA368774950.